The following is an entry in ClinVar:

NM_004656.4(BAP1):c.38-3C>T

Gene: BAP1 (BRCA1 associated deubiquitinase 1; minus strand). Cytogenetic location: 3p21.1.
Variant type: single nucleotide variant.
Coding change: c.38-3C>T on transcript NM_004656.4 (MANE Select); 3 bases into the intron before coding-DNA position 38, C replaced by T.
Molecular consequence: intron variant.
Genome position (GRCh38, 1-based): chr3:52,409,746, G>A on the plus strand (C>T on the coding strand, the complement: BAP1 is on the minus strand). VCF-style: chr3-52409746-G-A. GRCh37 (hg19) VCF-style: chr3-52443762-G-A.
Other names: c.38-3C>T (NM_001410772.1).
Identifiers: ClinVar variation 3224465 (VCV003224465.4), dbSNP rs762812608, ClinGen allele CA542900729.

ClinVar aggregate classification (germline): Conflicting classifications of pathogenicity. Review status: criteria provided, conflicting classifications (1 of 4 stars). 3 submissions from 3 submitters: Uncertain significance (1); Likely benign (2). Last evaluated 2026-07-08.

Conditions:
BAP1-related tumor predisposition syndrome (TPDS1). Also called: Tumor susceptibility linked to germline BAP1 mutations; COMMON Syndrome; TUMOR PREDISPOSITION SYNDROME 1; BAP1 tumor predisposition syndrome. Identifiers: Orphanet 289539, MedGen C3280492, MONDO:0013692, OMIM 614327.
Hereditary cancer-predisposing syndrome. Also called: Neoplastic Syndromes, Hereditary; Tumor predisposition; Hereditary Cancer Syndrome; Hereditary neoplastic syndrome. Identifiers: Orphanet 140162, MedGen C0027672, MeSH D009386, MONDO:0015356.

Submissions (3):

Ambry Genetics
Classification: Likely benign for Hereditary cancer-predisposing syndrome. Last evaluated: 2026-07-08. Review status: criteria provided, single submitter. Criteria: Ambry Variant Classification Scheme 2023. Collection method: clinical testing. Allele origin: germline.

Labcorp Genetics (formerly Invitae), Labcorp
Classification: Uncertain significance for BAP1-related tumor predisposition syndrome. Last evaluated: 2025-04-17. Review status: criteria provided, single submitter. Criteria: Invitae Variant Classification Sherloc (09022015). Collection method: clinical testing. Allele origin: germline.
Comment: This sequence change falls in intron 1 of the BAP1 gene. It does not directly change the encoded amino acid sequence of the BAP1 protein. It affects a nucleotide within the consensus splice site. This variant is present in population databases (no rsID available, gnomAD 0.0009%). This variant has not been reported in the literature in individuals affected with BAP1-related conditions. ClinVar contains an entry for this variant (Variation ID: 3224465). Variants that disrupt the consensus splice site are a relatively common cause of aberrant splicing (PMID: 17576681, 9536098). Algorithms developed to predict the effect of sequence changes on RNA splicing suggest that this variant is not likely to affect RNA splicing. In summary, the available evidence is currently insufficient to determine the role of this variant in disease. Therefore, it has been classified as a Variant of Uncertain Significance.

Myriad Genetics, Inc.
Classification: Likely benign for BAP1-related tumor predisposition syndrome. Last evaluated: 2024-07-11. Review status: criteria provided, single submitter. Criteria: Myriad Autosomal Dominant, Autosomal Recessive and X-Linked Classification Criteria (2023). Collection method: clinical testing. Allele origin: unknown.
Comment: This variant is considered likely benign. This variant is intronic and is not expected to impact mRNA splicing. This variant has been observed at a population frequency that is significantly greater than expected given the associated disease prevalence and penetrance.

Literature cited by the submitters: PubMed 17576681 (cited by Labcorp Genetics (formerly Invitae), Labcorp); PubMed 9536098 (cited by Labcorp Genetics (formerly Invitae), Labcorp).